The following is an entry in ClinVar:

NM_001999.4(FBN2):c.5999T>A (p.Leu2000Gln)

Gene: FBN2 (fibrillin 2; minus strand). Cytogenetic location: 5q23.3.
Variant type: single nucleotide variant.
Coding change: c.5999T>A on transcript NM_001999.4 (MANE Select); coding-DNA position 5999, T replaced by A.
Protein change: p.Leu2000Gln; replaces leucine 2000 with glutamine.
Molecular consequence: missense variant.
Genome position (GRCh38, 1-based): chr5:128,301,429, A>T on the plus strand (T>A on the coding strand, the complement: FBN2 is on the minus strand). VCF-style: chr5-128301429-A-T. GRCh37 (hg19) VCF-style: chr5-127637121-A-T.
Other names: short protein forms L2000Q.
Identifiers: ClinVar variation 1691655 (VCV001691655.6), dbSNP rs766604067, ClinGen allele CA3394531.

ClinVar aggregate classification (germline): Uncertain significance. Review status: criteria provided, multiple submitters, no conflicts (2 of 4 stars). 3 submissions from 3 submitters: Uncertain significance (3). Last evaluated 2025-09-05.

Conditions:
Familial thoracic aortic aneurysm and aortic dissection (TAAD). Also called: Thoracic aortic aneurysms and dissections. Identifiers: Orphanet 91387, MedGen C4707243, MONDO:0019625.
Congenital contractural arachnodactyly (CCA). Also called: BEALS SYNDROME; Beals-Hecht syndrome; Arthrogryposis, distal, type 9. Identifiers: Orphanet 115, MedGen C0220668, MONDO:0007363, OMIM 121050.

Allele frequency attached by ClinVar (database versions not stated): gnomAD exomes below 0.00001; ExAC 0.00001; gnomAD 0.00001; TOPMed 0.00001.
gnomAD v4.1: 7 of 1,613,176 alleles (0.00043%); highest among the groups gnomAD compares: Non-Finnish European, 0.00059%; no homozygotes.

Submissions (3):

Ambry Genetics
Classification: Uncertain significance for Familial thoracic aortic aneurysm and aortic dissection. Last evaluated: 2025-09-05. Review status: criteria provided, single submitter. Criteria: Ambry Variant Classification Scheme 2023. Collection method: clinical testing. Allele origin: germline.
Comment: The p.L2000Q variant (also known as c.5999T>A), located in coding exon 47 of the FBN2 gene, results from a T to A substitution at nucleotide position 5999. The leucine at codon 2000 is replaced by glutamine, an amino acid with dissimilar properties. This amino acid position is well conserved in available vertebrate species. In addition, this alteration is predicted to be deleterious by in silico analysis. Based on the available evidence, the clinical significance of this variant remains unclear.

Labcorp Genetics (formerly Invitae), Labcorp
Classification: Uncertain significance for Congenital contractural arachnodactyly. Last evaluated: 2024-12-14. Review status: criteria provided, single submitter. Criteria: Invitae Variant Classification Sherloc (09022015). Collection method: clinical testing. Allele origin: germline.
Comment: This sequence change replaces leucine, which is neutral and non-polar, with glutamine, which is neutral and polar, at codon 2000 of the FBN2 protein (p.Leu2000Gln). This variant is present in population databases (rs766604067, gnomAD 0.0009%). This variant has not been reported in the literature in individuals affected with FBN2-related conditions. ClinVar contains an entry for this variant (Variation ID: 1691655). Invitae Evidence Modeling of protein sequence and biophysical properties (such as structural, functional, and spatial information, amino acid conservation, physicochemical variation, residue mobility, and thermodynamic stability) indicates that this missense variant is not expected to disrupt FBN2 protein function with a negative predictive value of 80%. In summary, the available evidence is currently insufficient to determine the role of this variant in disease. Therefore, it has been classified as a Variant of Uncertain Significance.

GeneDx
Classification: Uncertain significance. Last evaluated: 2022-05-18. Review status: criteria provided, single submitter. Criteria: GeneDx Variant Classification Process June 2021. Collection method: clinical testing. Allele origin: germline. Affected: yes.
Comment: Not observed at significant frequency in large population cohorts (gnomAD); In silico analysis supports that this missense variant does not alter protein structure/function; Has not been previously published as pathogenic or benign to our knowledge; Although located in a calcium-binding EGF-like domain of the FBN2 gene, it does not substitute or introduce a cysteine residue (Callewaert et al., 2008; Frederic et al., 2009); Not located within exons 24-33, where the majority of pathogenic variants reported to date occur (Callewaert et al., 2008, Frederic et al., 2009); This variant is associated with the following publications: (PMID: 18767143, 19006240)